The following is an entry in ClinVar:

NM_001211.6(BUB1B):c.2158T>C (p.Ser720Pro)

Gene: BUB1B (BUB1 mitotic checkpoint serine/threonine kinase B; plus strand). Cytogenetic location: 15q15.1.
Variant type: single nucleotide variant.
Coding change: c.2158T>C on transcript NM_001211.6 (MANE Select); coding-DNA position 2158, T replaced by C.
Protein change: p.Ser720Pro; replaces serine 720 with proline.
Molecular consequence: missense variant.
Genome position (GRCh38, 1-based): chr15:40,209,649, T>C. VCF-style: chr15-40209649-T-C. GRCh37 (hg19) VCF-style: chr15-40501850-T-C.
Other names: short protein forms S720P.
Identifiers: ClinVar variation 5033550 (VCV005033550.1).

ClinVar aggregate classification (germline): Uncertain significance (1 of 4 stars; one submission).

Conditions:
Inborn genetic diseases. Identifiers: MedGen C0950123, MeSH D030342.

Submission:

Ambry Genetics
Classification: Uncertain significance for Inborn genetic diseases. Last evaluated: 2026-09-09. Review status: criteria provided, single submitter. Criteria: Ambry Variant Classification Scheme 2023. Collection method: clinical testing. Allele origin: germline.
Comment: The p.S720P variant (also known as c.2158T>C), located in coding exon 17 of the BUB1B gene, results from a T to C substitution at nucleotide position 2158. The serine at codon 720 is replaced by proline, an amino acid with similar properties. This amino acid position is conserved. In addition, this alteration is predicted to be tolerated by in silico analysis. Based on the available evidence, the clinical significance of this variant remains unclear.